The following is an entry in ClinVar:

ClinVar aggregate classification (germline): Likely pathogenic (1 of 4 stars; one submission).

Conditions:
Nystagmus 1, congenital, X-linked. Also called: NYSTAGMUS, INFANTILE PERIODIC ALTERNATING, X-LINKED; NYSTAGMUS 1, INFANTILE, X-LINKED; NYSTAGMUS, CONGENITAL MOTOR, 1; NYSTAGMUS, INFANTILE IDIOPATHIC; FRMD7-Related Infantile Nystagmus. Identifiers: MedGen C1839580, MONDO:0010693, OMIM 310700.

Submission:

3billion
Classification: Likely pathogenic for Nystagmus 1, congenital, X-linked. Last evaluated: 2025-06-09. Review status: criteria provided, single submitter. Criteria: ACMG Guidelines, 2015. Collection method: clinical testing. Allele origin: germline. Affected: yes.
Comment: The variant is not observed in the gnomAD v4.1.0 dataset. Predicted Consequence/Location: Frameshift: predicted to result in a loss or disruption of normal protein function through protein truncation. The predicted truncated protein may be shortened by more than 10%. The variant has been reported to be associated with FRMD7-related disorder (PMID: 19484379). Therefore, this variant is classified as Likely pathogenic according to the recommendation of ACMG/AMP guideline.

Literature cited by the submitters: PubMed 19484379.

NM_194277.3(FRMD7):c.1492del (p.Tyr498fs)

Gene: FRMD7 (FERM domain containing 7; minus strand). Cytogenetic location: Xq26.2.
Variant type: Deletion.
Coding change: c.1492del on transcript NM_194277.3 (MANE Select); coding-DNA position 1492, one base deleted (T; older notation c.1492delT).
Protein change: p.Tyr498fs; shifts the reading frame from tyrosine 498.
Molecular consequence: frameshift variant.
Genome position (GRCh38, 1-based): chrX:132,078,525, A deleted on the plus strand (T on the coding strand, the reverse complement: FRMD7 is on the minus strand); the first of 7 consecutive A bases (chrX:132,078,525-132,078,531); deleting any one gives the same sequence. VCF-style (leftmost placement, unchanged base first): chrX-132078524-TA-T. GRCh37 (hg19) VCF-style: chrX-131212552-TA-T.
Other names: c.1447del, p.Tyr483fs (NM_001306193.2); short protein forms Y483fs, Y498fs.
Identifiers: ClinVar variation 4855258 (VCV004855258.1).